The following is an entry in ClinVar:

ClinVar aggregate classification (germline): Pathogenic. Review status: criteria provided, multiple submitters, no conflicts (2 of 4 stars). 3 submissions from 3 submitters: Pathogenic (3). Last evaluated 2023-09-14.

Conditions:
Hereditary cancer-predisposing syndrome. Also called: Tumor predisposition; Hereditary Cancer Syndrome; Neoplastic Syndromes, Hereditary; Hereditary neoplastic syndrome. Identifiers: Orphanet 140162, MedGen C0027672, MeSH D009386, MONDO:0015356.
Familial cancer of breast. Also called: BREAST CANCER, FAMILIAL; Hereditary breast cancer; hereditary breast carcinoma. Identifiers: Orphanet 227535, MedGen C0346153, MONDO:0016419, OMIM 114480. Disease mechanism: loss of function.

Submissions (3):

Myriad Genetics, Inc.
Classification: Pathogenic for Familial cancer of breast. Last evaluated: 2023-09-14. Review status: criteria provided, single submitter. Criteria: Myriad Autosomal Dominant, Autosomal Recessive and X-Linked Classification Criteria (2023). Collection method: clinical testing. Allele origin: unknown.
Comment: This variant is considered pathogenic. This variant creates a frameshift predicted to result in premature protein truncation.

Labcorp Genetics (formerly Invitae), Labcorp
Classification: Pathogenic for Familial cancer of breast. Last evaluated: 2022-03-27. Review status: criteria provided, single submitter. Criteria: Invitae Variant Classification Sherloc (09022015). Collection method: clinical testing. Allele origin: germline.
Comment: For these reasons, this variant has been classified as Pathogenic. ClinVar contains an entry for this variant (Variation ID: 822351). This sequence change creates a premature translational stop signal (p.Ser985Leufs*5) in the PALB2 gene. It is expected to result in an absent or disrupted protein product. Loss-of-function variants in PALB2 are known to be pathogenic (PMID: 17200668, 17200671, 17200672, 24136930, 25099575). This variant is not present in population databases (gnomAD no frequency). This variant has not been reported in the literature in individuals affected with PALB2-related conditions.

Ambry Genetics
Classification: Pathogenic for Hereditary cancer-predisposing syndrome. Last evaluated: 2018-12-03. Review status: criteria provided, single submitter. Criteria: Ambry Variant Classification Scheme 2023. Collection method: clinical testing. Allele origin: germline.
Comment: The c.2953delT pathogenic mutation, located in coding exon 9 of the PALB2 gene, results from a deletion of one nucleotide at nucleotide position 2953, causing a translational frameshift with a predicted alternate stop codon (p.S985Lfs*5). This alteration is expected to result in loss of function by premature protein truncation or nonsense-mediated mRNA decay. As such, this alteration is interpreted as a disease-causing mutation.

Literature cited by the submitters: PubMed 17200668 (cited by Labcorp Genetics (formerly Invitae), Labcorp); PubMed 17200671 (cited by Labcorp Genetics (formerly Invitae), Labcorp); PubMed 17200672 (cited by Labcorp Genetics (formerly Invitae), Labcorp); PubMed 24136930 (cited by Labcorp Genetics (formerly Invitae), Labcorp); PubMed 25099575 (cited by Labcorp Genetics (formerly Invitae), Labcorp).

NM_024675.4(PALB2):c.2953del (p.Ser985fs)

Gene: PALB2 (partner and localizer of BRCA2; minus strand). Cytogenetic location: 16p12.2.
Variant type: Deletion.
Coding change: c.2953del on transcript NM_024675.4 (MANE Select); coding-DNA position 2953, one base deleted (T; older notation c.2953delT).
Protein change: p.Ser985fs; shifts the reading frame from serine 985.
Molecular consequence: frameshift variant.
Genome position (GRCh38, 1-based): chr16:23,623,012, A deleted on the plus strand (T on the coding strand, the reverse complement: PALB2 is on the minus strand); the first of 3 consecutive A bases (chr16:23,623,012-23,623,014); deleting any one gives the same sequence. VCF-style (leftmost placement, unchanged base first): chr16-23623011-GA-G. GRCh37 (hg19) VCF-style: chr16-23634332-GA-G.
Other names: c.2953del (NM_024675.3); short protein forms S985fs.
Identifiers: ClinVar variation 822351 (VCV000822351.14), dbSNP rs1597081202, ClinGen allele CA915949169.